The following is an entry in ClinVar:

ClinVar aggregate classification (germline): Uncertain significance (1 of 4 stars; one submission).

Allele frequency attached by ClinVar (database versions not stated): TOPMed below 0.00001; ExAC 0.00001; gnomAD exomes 0.00001.
gnomAD v4.1: 5 of 1,614,074 alleles (0.00031%); highest among the groups gnomAD compares: Non-Finnish European, 0.00042%; no homozygotes.

Submission:

Labcorp Genetics (formerly Invitae), Labcorp
Classification: Uncertain significance. Last evaluated: 2022-01-23. Review status: criteria provided, single submitter. Criteria: Invitae Variant Classification Sherloc (09022015). Collection method: clinical testing. Allele origin: germline.
Comment: In summary, the available evidence is currently insufficient to determine the role of this variant in disease. Therefore, it has been classified as a Variant of Uncertain Significance. Algorithms developed to predict the effect of missense changes on protein structure and function are either unavailable or do not agree on the potential impact of this missense change (SIFT: "Not Available"; PolyPhen-2: "Probably Damaging"; Align-GVGD: "Not Available"). This variant has not been reported in the literature in individuals affected with CDH3-related conditions. This variant is present in population databases (rs771976434, gnomAD 0.002%). This sequence change replaces glycine, which is neutral and non-polar, with glutamic acid, which is acidic and polar, at codon 305 of the CDH3 protein (p.Gly305Glu).

NM_001793.6(CDH3):c.914G>A (p.Gly305Glu)

Gene: CDH3 (cadherin 3; plus strand). Cytogenetic location: 16q22.1.
Variant type: single nucleotide variant.
Coding change: c.914G>A on transcript NM_001793.6 (MANE Select); coding-DNA position 914, G replaced by A.
Protein change: p.Gly305Glu; replaces glycine 305 with glutamic acid.
Molecular consequence: missense variant.
Genome position (GRCh38, 1-based): chr16:68,681,014, G>A. VCF-style: chr16-68681014-G-A. GRCh37 (hg19) VCF-style: chr16-68714917-G-A.
Other names: c.914G>A, p.Gly305Glu (NM_001317195.3); c.749G>A, p.Gly250Glu (NM_001317196.2); short protein forms G305E, G250E.
Identifiers: ClinVar variation 1375287 (VCV001375287.8), dbSNP rs771976434, ClinGen allele CA8129189.